The following is an entry in ClinVar:

ClinVar aggregate classification (germline): Uncertain significance (1 of 4 stars; one submission).

Allele frequency attached by ClinVar (database versions not stated): gnomAD exomes below 0.00001 and 0.00001; TOPMed below 0.00001; ExAC 0.00001; gnomAD 0.00001; ESP Exome Variant Server 0.00008.
gnomAD v4.1: 2 of 1,585,766 alleles (0.00013%); highest among the groups gnomAD compares: African/African-American, 0.0027%; no homozygotes.

Submission:

Labcorp Genetics (formerly Invitae), Labcorp
Classification: Uncertain significance. Last evaluated: 2020-10-29. Review status: criteria provided, single submitter. Criteria: Invitae Variant Classification Sherloc (09022015). Collection method: clinical testing. Allele origin: germline.
Comment: Advanced modeling of protein sequence and biophysical properties (such as structural, functional, and spatial information, amino acid conservation, physicochemical variation, residue mobility, and thermodynamic stability) performed at Invitae indicates that this missense variant is not expected to disrupt COL9A3 protein function. In summary, the available evidence is currently insufficient to determine the role of this variant in disease. Therefore, it has been classified as a Variant of Uncertain Significance. This variant has not been reported in the literature in individuals with COL9A3-related conditions. This variant is present in population databases (rs373399710, ExAC 0.01%). This sequence change replaces proline with histidine at codon 147 of the COL9A3 protein (p.Pro147His). The proline residue is highly conserved and there is a moderate physicochemical difference between proline and histidine.

NM_001853.4(COL9A3):c.440C>A (p.Pro147His)

Gene: COL9A3 (collagen type IX alpha 3 chain; plus strand). Cytogenetic location: 20q13.33.
Variant type: single nucleotide variant.
Coding change: c.440C>A on transcript NM_001853.4 (MANE Select); coding-DNA position 440, C replaced by A.
Protein change: p.Pro147His; replaces proline 147 with histidine.
Molecular consequence: missense variant.
Genome position (GRCh38, 1-based): chr20:62,822,127, C>A. VCF-style: chr20-62822127-C-A. GRCh37 (hg19) VCF-style: chr20-61453479-C-A.
Other names: short protein forms P147H.
Identifiers: ClinVar variation 1499981 (VCV001499981.8), dbSNP rs373399710, ClinGen allele CA9949273.